The following is an entry in ClinVar:

ClinVar aggregate classification (germline): Uncertain significance (1 of 4 stars; one submission).

Submission:

Labcorp Genetics (formerly Invitae), Labcorp
Classification: Uncertain significance. Last evaluated: 2023-11-07. Review status: criteria provided, single submitter. Criteria: Invitae Variant Classification Sherloc (09022015). Collection method: clinical testing. Allele origin: germline.
Comment: This sequence change replaces threonine, which is neutral and polar, with serine, which is neutral and polar, at codon 783 of the ADCY10 protein (p.Thr783Ser). This variant is not present in population databases (gnomAD no frequency). This variant has not been reported in the literature in individuals affected with ADCY10-related conditions. Algorithms developed to predict the effect of missense changes on protein structure and function output the following: SIFT: "Not Available"; PolyPhen-2: "Benign"; Align-GVGD: "Not Available". The serine amino acid residue is found in multiple mammalian species, which suggests that this missense change does not adversely affect protein function. In summary, the available evidence is currently insufficient to determine the role of this variant in disease. Therefore, it has been classified as a Variant of Uncertain Significance.

NM_018417.6(ADCY10):c.2348C>G (p.Thr783Ser)

Gene: ADCY10 (adenylate cyclase 10; minus strand). Cytogenetic location: 1q24.2.
Variant type: single nucleotide variant.
Coding change: c.2348C>G on transcript NM_018417.6 (MANE Select); coding-DNA position 2348, C replaced by G.
Protein change: p.Thr783Ser; replaces threonine 783 with serine.
Molecular consequence: missense variant.
Genome position (GRCh38, 1-based): chr1:167,848,450, G>C on the plus strand (C>G on the coding strand, the complement: ADCY10 is on the minus strand). VCF-style: chr1-167848450-G-C. GRCh37 (hg19) VCF-style: chr1-167817688-G-C.
Other names: c.1889C>G, p.Thr630Ser (NM_001167749.3); c.2072C>G, p.Thr691Ser (NM_001297772.2); short protein forms T691S, T630S, T783S.
Identifiers: ClinVar variation 2880129 (VCV002880129.3), dbSNP rs2525237565, ClinGen allele CA343085767.